The following is an entry in ClinVar:

NM_015001.3(SPEN):c.393G>A (p.Arg131=)

Gene: SPEN (spen family transcriptional repressor; plus strand). Cytogenetic location: 1p36.21.
Variant type: single nucleotide variant.
Coding change: c.393G>A on transcript NM_015001.3 (MANE Select); coding-DNA position 393, G replaced by A.
Protein change: p.Arg131=; no amino-acid change (arginine 131 retained).
Molecular consequence: synonymous variant.
Genome position (GRCh38, 1-based): chr1:15,873,125, G>A. VCF-style: chr1-15873125-G-A. GRCh37 (hg19) VCF-style: chr1-16199620-G-A.
Other names: c.393G>A (NM_015001.2).
Identifiers: ClinVar variation 1334957 (VCV001334957.36), dbSNP rs200631878, ClinGen allele CA618796.

ClinVar aggregate classification (germline): Likely benign. Review status: criteria provided, single submitter (1 of 4 stars). 2 submissions from 2 submitters: Likely benign (1). 1 of the submissions does not count toward it. Last evaluated 2023-10-01.

Conditions:
SPEN-related disorder. Also called: SPEN-related condition.

Allele frequency attached by ClinVar (database versions not stated): ExAC 0.00029; gnomAD 0.00029 and 0.00031; gnomAD exomes 0.00029 and 0.00050; ESP Exome Variant Server 0.00031; TOPMed 0.00031.

Submissions (2):

CeGaT Center for Human Genetics Tuebingen
Classification: Likely benign. Last evaluated: 2023-10-01. Review status: criteria provided, single submitter. Criteria: CeGaT Center For Human Genetics Tuebingen Variant Classification Criteria Version 2. Collection method: clinical testing. Allele origin: germline. Affected: yes. Observed: 2 variant alleles.
Comment: SPEN: BP4

PreventionGenetics, part of Exact Sciences
Classification: Likely benign for SPEN-related condition. Last evaluated: 2019-12-02. Review status: no assertion criteria provided. Collection method: clinical testing. Allele origin: germline. Not counted in ClinVar's aggregate classification.
Comment: This variant is classified as likely benign based on ACMG/AMP sequence variant interpretation guidelines (Richards et al. 2015 PMID: 25741868, with internal and published modifications).